The following is an entry in ClinVar:

NM_004972.4(JAK2):c.721A>C (p.Ser241Arg)

Genes: INSL6 (insulin like 6; minus strand), JAK2 (Janus kinase 2; plus strand). Cytogenetic location: 9p24.1.
Variant type: single nucleotide variant.
Coding change: c.721A>C on transcript NM_004972.4 (MANE Select); coding-DNA position 721, A replaced by C.
Protein change: p.Ser241Arg; replaces serine 241 with arginine.
Molecular consequence: missense variant. On other transcripts: 5 prime UTR variant (2), non-coding transcript variant (2).
Genome position (GRCh38, 1-based): chr9:5,054,669, A>C. VCF-style: chr9-5054669-A-C. GRCh37 (hg19) VCF-style: chr9-5054669-A-C.
Other names: c.721A>C, p.Ser241Arg (NM_001322194.2, NM_001322195.2, NM_001322196.2); c.-400A>C (NM_001322198.2, NM_001322199.2); c.274A>C, p.Ser92Arg (NM_001322204.2); short protein forms S241R, S92R.
Identifiers: ClinVar variation 134560 (VCV000134560.1), dbSNP rs587778411, ClinGen allele CA160186.

ClinVar aggregate classification (germline): not provided (0 of 4 stars; one submission).

Allele frequency attached by ClinVar (database versions not stated): gnomAD 0.00001; TOPMed 0.00001 and below 0.00001.
gnomAD v4.1: 1 of 1,613,266 alleles (0.000062%); highest among the groups gnomAD compares: African/African-American, 0.0013%; no homozygotes.

Submission:

ITMI
No classification provided. Condition: AllHighlyPenetrant. Last evaluated: 2013-09-19. Review status: no classification provided. Collection method: reference population. Allele origin: germline.
Comment: Please see associated publication for description of ethnicities

Literature cited by the submitters: PubMed 24728327.